The following is an entry in ClinVar:

ClinVar aggregate classification (germline): Pathogenic. Review status: criteria provided, multiple submitters, no conflicts (2 of 4 stars). 2 submissions from 2 submitters: Pathogenic (2). Last evaluated 2026-01-22.

Conditions:
Supravalvar aortic stenosis (SVAS). Also called: Supravalvar aortic stenosis, Eisenberg type. Identifiers: Orphanet 3193, MedGen C0003499, MONDO:0008504, OMIM 185500, HP:0004381.
Thoracic aortic aneurysm or dissection.

Submissions (2):

North West Genomic Laboratory Hub, Manchester University NHS Foundation Trust
Classification: Pathogenic for Thoracic aortic aneurysm or dissection. Last evaluated: 2026-01-22. Review status: criteria provided, single submitter. Criteria: ACGS Best Practice Guidelines for Variant Classification in Rare Disease 2024. Collection method: clinical testing. Allele origin: germline. Affected: yes.
Comment: PS4_Supp PM2_Mod PVS1_VStr

Labcorp Genetics (formerly Invitae), Labcorp
Classification: Pathogenic for Supravalvar aortic stenosis. Last evaluated: 2023-07-03. Review status: criteria provided, single submitter. Criteria: Invitae Variant Classification Sherloc (09022015). Collection method: clinical testing. Allele origin: germline.
Comment: This sequence change creates a premature translational stop signal (p.Pro93Leufs*29) in the ELN gene. It is expected to result in an absent or disrupted protein product. Loss-of-function variants in ELN are known to be pathogenic (PMID: 11175284). This variant is not present in population databases (gnomAD no frequency). This variant has not been reported in the literature in individuals affected with ELN-related conditions. ClinVar contains an entry for this variant (Variation ID: 966863). For these reasons, this variant has been classified as Pathogenic.

Literature cited by the submitters: PubMed 11175284 (cited by Labcorp Genetics (formerly Invitae), Labcorp).

NM_000501.4(ELN):c.278del (p.Pro93fs)

Gene: ELN (elastin; plus strand). Cytogenetic location: 7q11.23.
Variant type: Deletion.
Coding change: c.278del on transcript NM_000501.4 (MANE Select); coding-DNA position 278, one base deleted (C; older notation c.278delC).
Protein change: p.Pro93fs; shifts the reading frame from proline 93.
Molecular consequence: frameshift variant.
Genome position (GRCh38, 1-based): chr7:74,042,659, C deleted; the last of 2 consecutive C bases (chr7:74,042,658-74,042,659); deleting either gives the same sequence. VCF-style (leftmost placement, unchanged base first): chr7-74042657-GC-G. GRCh37 (hg19) VCF-style: chr7-73456987-GC-G.
Other names: c.248del, p.Pro83fs (NM_001081752.3, NM_001278914.2, NM_001278917.2 and 1 more transcripts); c.278del, p.Pro93fs (NM_001081753.3, NM_001081754.3, NM_001081755.3 and 4 more transcripts); c.242del, p.Pro81fs (NM_001278913.2); short protein forms P81fs, P83fs, P93fs.
Identifiers: ClinVar variation 966863 (VCV000966863.8), dbSNP rs1791508570, ClinGen allele CA1139659779.